The following is an entry in ClinVar:

NM_024589.3(ROGDI):c.616C>G (p.Leu206Val)

Gene: ROGDI (rogdi atypical leucine zipper; minus strand). Cytogenetic location: 16p13.3.
Variant type: single nucleotide variant.
Coding change: c.616C>G on transcript NM_024589.3 (MANE Select); coding-DNA position 616, C replaced by G.
Protein change: p.Leu206Val; replaces leucine 206 with valine.
Molecular consequence: missense variant. On other transcripts: non-coding transcript variant (1).
Genome position (GRCh38, 1-based): chr16:4,798,100, G>C on the plus strand (C>G on the coding strand, the complement: ROGDI is on the minus strand). VCF-style: chr16-4798100-G-C. GRCh37 (hg19) VCF-style: chr16-4848101-G-C.
Other names: short protein forms L206V.
Identifiers: ClinVar variation 1398516 (VCV001398516.8), dbSNP rs1384897869, ClinGen allele CA394650101.

ClinVar aggregate classification (germline): Uncertain significance (1 of 4 stars; one submission).

Conditions:
Amelocerebrohypohidrotic syndrome (KTZS). Also called: Kohlschutter's syndrome; EPILEPSY AND YELLOW TEETH; EPILEPSY, DEMENTIA, AND AMELOGENESIS IMPERFECTA; KOHLSCHUTTER SYNDROME. Identifiers: Orphanet 1946, MedGen C0406740, MONDO:0009185, OMIM 226750.

Allele frequency attached by ClinVar (database versions not stated): gnomAD exomes below 0.00001.

Submission:

Labcorp Genetics (formerly Invitae), Labcorp
Classification: Uncertain significance for Amelocerebrohypohidrotic syndrome. Last evaluated: 2023-12-22. Review status: criteria provided, single submitter. Criteria: Invitae Variant Classification Sherloc (09022015). Collection method: clinical testing. Allele origin: germline.
Comment: This sequence change replaces leucine, which is neutral and non-polar, with valine, which is neutral and non-polar, at codon 206 of the ROGDI protein (p.Leu206Val). This variant is present in population databases (no rsID available, gnomAD 0.003%). This variant has not been reported in the literature in individuals affected with ROGDI-related conditions. ClinVar contains an entry for this variant (Variation ID: 1398516). An algorithm developed to predict the effect of missense changes on protein structure and function (PolyPhen-2) suggests that this variant is likely to be tolerated. In summary, the available evidence is currently insufficient to determine the role of this variant in disease. Therefore, it has been classified as a Variant of Uncertain Significance.